The following is an entry in ClinVar:

ClinVar aggregate classification (germline): Uncertain significance (1 of 4 stars; one submission).

Submission:

Labcorp Genetics (formerly Invitae), Labcorp
Classification: Uncertain significance. Last evaluated: 2023-09-18. Review status: criteria provided, single submitter. Criteria: Invitae Variant Classification Sherloc (09022015). Collection method: clinical testing. Allele origin: unknown.
Comment: In summary, the available evidence is currently insufficient to determine the role of this variant in disease. Therefore, it has been classified as a Variant of Uncertain Significance. This variant has not been reported in the literature in individuals affected with LAMB1-related conditions. This variant results in a copy number gain of the genomic region encompassing exon(s) 2-32 of the LAMB1 gene. This region includes the initiator codon of the gene. This copy number gain extends beyond the assayed region for this gene and therefore may encompass additional genes. As the precise location of this event is unknown, it may be in tandem or it may be located elsewhere in the genome.

NC_000007.13:g.(?_107566608)_(107643330_?)dup

Gene: LAMB1 (laminin subunit beta 1; minus strand). Cytogenetic location: 7q31.1.
Variant type: Duplication.
Identifiers: ClinVar variation 3245872 (VCV003245872.1).